The following is an entry in ClinVar:

ClinVar aggregate classification (germline): Uncertain significance. Review status: criteria provided, multiple submitters, no conflicts (2 of 4 stars). 4 submissions from 4 submitters: Uncertain significance (4). Last evaluated 2025-06-25.

Conditions:
MRTFA-related disorder. Also called: MRTFA-related condition.

Allele frequency attached by ClinVar (database versions not stated): gnomAD 0.00005; ESP Exome Variant Server 0.00008; gnomAD exomes 0.00009; ExAC 0.00012; 1000 Genomes Project 30x 0.00016; 1000 Genomes Project 0.00020.
gnomAD v4.1: 135 of 1,554,192 alleles (0.0087%); highest among the groups gnomAD compares: East Asian, 0.027%; 1 homozygote.

Submissions (4):

PreventionGenetics, part of Exact Sciences
Classification: Uncertain significance for MRTFA-related condition. Last evaluated: 2025-06-25. Review status: criteria provided, single submitter. Criteria: ACMG Guidelines, 2015. Collection method: clinical testing. Allele origin: germline.
Comment: The MRTFA c.1861G>A variant is predicted to result in the amino acid substitution p.Val621Met. To our knowledge, this variant has not been reported in the literature. This variant is reported in 0.032% of alleles in individuals of South Asian descent in gnomAD. At this time, the clinical significance of this variant is uncertain due to the absence of conclusive functional and genetic evidence.

Labcorp Genetics (formerly Invitae), Labcorp
Classification: Uncertain significance. Last evaluated: 2025-06-04. Review status: criteria provided, single submitter. Criteria: Invitae Variant Classification Sherloc (09022015). Collection method: clinical testing. Allele origin: germline.
Comment: This sequence change replaces valine, which is neutral and non-polar, with methionine, which is neutral and non-polar, at codon 621 of the MKL1 protein (p.Val621Met). This variant is present in population databases (rs202029832, gnomAD 0.03%). This variant has not been reported in the literature in individuals affected with MKL1-related conditions. ClinVar contains an entry for this variant (Variation ID: 1925227). An algorithm developed to predict the effect of missense changes on protein structure and function (PolyPhen-2) suggests that this variant is likely to be disruptive. In summary, the available evidence is currently insufficient to determine the role of this variant in disease. Therefore, it has been classified as a Variant of Uncertain Significance.

Ambry Genetics
Classification: Uncertain significance. Last evaluated: 2025-04-03. Review status: criteria provided, single submitter. Criteria: Ambry Variant Classification Scheme 2023. Collection method: clinical testing. Allele origin: germline.

Blueprint Genetics
Classification: Uncertain significance. Last evaluated: 2022-08-11. Review status: criteria provided, single submitter. Criteria: ACMG Guidelines, 2015. Collection method: clinical testing. Allele origin: germline.

NM_020831.6(MRTFA):c.2161G>A (p.Val721Met)

Gene: MRTFA (myocardin related transcription factor A; minus strand). Cytogenetic location: 22q13.1.
Variant type: single nucleotide variant.
Coding change: c.2161G>A on transcript NM_020831.6 (MANE Select); coding-DNA position 2161, G replaced by A.
Protein change: p.Val721Met; replaces valine 721 with methionine.
Molecular consequence: missense variant.
Genome position (GRCh38, 1-based): chr22:40,418,577, C>T on the plus strand (G>A on the coding strand, the complement: MRTFA is on the minus strand). VCF-style: chr22-40418577-C-T. GRCh37 (hg19) VCF-style: chr22-40814581-C-T.
Other names: c.1861G>A, p.Val621Met (NM_001282660.2); c.2011G>A, p.Val671Met (NM_001282661.3); c.2161G>A, p.Val721Met (NM_001282662.3); c.1966G>A, p.Val656Met (NM_001318139.2); c.1861G>A (NM_020831.4, NM_020831.3); short protein forms V671M, V721M, V621M, V656M.
Identifiers: ClinVar variation 1925227 (VCV001925227.9), dbSNP rs202029832, ClinGen allele CA10249434.